The following is an entry in ClinVar:

ClinVar aggregate classification (germline): Uncertain significance (1 of 4 stars; one submission).

Allele frequency attached by ClinVar (database versions not stated): gnomAD exomes below 0.00001.
gnomAD v4.1: 11 of 1,614,102 alleles (0.00068%); highest among the groups gnomAD compares: African/African-American, 0.008%; no homozygotes.

Submission:

Labcorp Genetics (formerly Invitae), Labcorp
Classification: Uncertain significance. Last evaluated: 2022-08-20. Review status: criteria provided, single submitter. Criteria: Invitae Variant Classification Sherloc (09022015). Collection method: clinical testing. Allele origin: germline.
Comment: This sequence change replaces glycine, which is neutral and non-polar, with alanine, which is neutral and non-polar, at codon 352 of the SPART protein (p.Gly352Ala). In summary, the available evidence is currently insufficient to determine the role of this variant in disease. Therefore, it has been classified as a Variant of Uncertain Significance. Algorithms developed to predict the effect of missense changes on protein structure and function (SIFT, PolyPhen-2, Align-GVGD) all suggest that this variant is likely to be tolerated. This variant has not been reported in the literature in individuals affected with SPART-related conditions. This variant is not present in population databases (gnomAD no frequency).

NM_015087.5(SPART):c.1055G>C (p.Gly352Ala)

Gene: SPART (spartin; minus strand). Cytogenetic location: 13q13.3.
Variant type: single nucleotide variant.
Coding change: c.1055G>C on transcript NM_015087.5 (MANE Select); coding-DNA position 1055, G replaced by C.
Protein change: p.Gly352Ala; replaces glycine 352 with alanine.
Molecular consequence: missense variant.
Genome position (GRCh38, 1-based): chr13:36,329,471, C>G on the plus strand (G>C on the coding strand, the complement: SPART is on the minus strand). VCF-style: chr13-36329471-C-G. GRCh37 (hg19) VCF-style: chr13-36903608-C-G.
Other names: c.1055G>C, p.Gly352Ala (NM_001142294.2, NM_001142295.2, NM_001142296.2); short protein forms G352A.
Identifiers: ClinVar variation 1919093 (VCV001919093.5), dbSNP rs2500702319, ClinGen allele CA387860400.